The following is an entry in ClinVar:

NM_001199267.2(DGKZ):c.959_964del (p.Leu320_Asn321del)

Gene: DGKZ (diacylglycerol kinase zeta; plus strand). Cytogenetic location: 11p11.2.
Variant type: Deletion.
Coding change: c.959_964del on transcript NM_001199267.2 (MANE Select); coding-DNA positions 959 to 964, 6 bases deleted (TCAATC; older notation c.959_964delTCAATC).
Protein change: p.Leu320_Asn321del.
Molecular consequence: inframe deletion.
Genome position (GRCh38, 1-based): chr11:46,372,462-46,372,467, TCAATC deleted; deleting any 6 consecutive bases within chr11:46,372,459-46,372,467 gives the same sequence; the c. name uses the placement nearest the transcript's 3' end. VCF-style (leftmost placement, unchanged base first): chr11-46372458-TATCTCA-T. GRCh37 (hg19) VCF-style: chr11-46394008-TATCTCA-T.
Other names: c.1526_1531del, p.Leu509_Asn510del (NM_001105540.2); c.962_967del, p.Leu321_Asn322del (NM_001199266.2, NM_003646.4); c.893_898del, p.Leu298_Asn299del (NM_001199268.2); c.1010_1015del, p.Leu337_Asn338del (NM_201532.3); c.974_979del, p.Leu325_Asn326del (NM_201533.3).
Identifiers: ClinVar variation 2812012 (VCV002812012.3), dbSNP rs2496502314, ClinGen allele CA2739270391.

ClinVar aggregate classification (germline): Uncertain significance (1 of 4 stars; one submission).

Submission:

Labcorp Genetics (formerly Invitae), Labcorp
Classification: Uncertain significance. Last evaluated: 2022-11-04. Review status: criteria provided, single submitter. Criteria: Invitae Variant Classification Sherloc (09022015). Collection method: clinical testing. Allele origin: germline.
Comment: This variant, c.1526_1531del, results in the deletion of 2 amino acid(s) of the DGKZ protein (p.Leu509_Asn510del), but otherwise preserves the integrity of the reading frame. This variant is not present in population databases (gnomAD no frequency). This variant has not been reported in the literature in individuals affected with DGKZ-related conditions. Experimental studies and prediction algorithms are not available or were not evaluated, and the functional significance of this variant is currently unknown. In summary, the available evidence is currently insufficient to determine the role of this variant in disease. Therefore, it has been classified as a Variant of Uncertain Significance.